The following is an entry in ClinVar:

NM_032043.3(BRIP1):c.997A>G (p.Lys333Glu)

Gene: BRIP1 (BRCA1 interacting DNA helicase 1; minus strand). Cytogenetic location: 17q23.2.
Variant type: single nucleotide variant.
Coding change: c.997A>G on transcript NM_032043.3 (MANE Select); coding-DNA position 997, A replaced by G.
Protein change: p.Lys333Glu; replaces lysine 333 with glutamic acid.
Molecular consequence: missense variant.
Genome position (GRCh38, 1-based): chr17:61,801,396, T>C on the plus strand (A>G on the coding strand, the complement: BRIP1 is on the minus strand). VCF-style: chr17-61801396-T-C. GRCh37 (hg19) VCF-style: chr17-59878757-T-C.
Other names: short protein forms K333E.
Identifiers: ClinVar variation 1472060 (VCV001472060.10), dbSNP rs757196702, ClinGen allele CA8690819.
Genomic context (GRCh38, chr17:61,801,396, plus strand): 5'-AATATGGACAGGCCTTTAGTTTCTTCCCCAGGCTGACAAGTTCTTCTATATCCCAGGCTT[T>C]GCACATCCCTTGGAAAGTCTGTAATGTGTGCTGATCACTAATTTTATGAACTCCATGATA-3'
Protein context (NP_114432.2, residues 323-343): HTLQTFQGMC[Lys333Glu]AWDIEELVSL

ClinVar aggregate classification (germline): Uncertain significance. Review status: criteria provided, multiple submitters, no conflicts (2 of 4 stars). 2 submissions from 2 submitters: Uncertain significance (2). Last evaluated 2025-07-25.

Conditions:
Hereditary cancer-predisposing syndrome. Also called: Hereditary neoplastic syndrome; Tumor predisposition; Neoplastic Syndromes, Hereditary; Hereditary Cancer Syndrome. Identifiers: Orphanet 140162, MedGen C0027672, MeSH D009386, MONDO:0015356.
Familial cancer of breast. Also called: Hereditary breast cancer; BREAST CANCER, FAMILIAL; hereditary breast carcinoma. Identifiers: Orphanet 227535, MedGen C0346153, MONDO:0016419, OMIM 114480. Disease mechanism: loss of function.
Fanconi anemia complementation group J. Also called: BRIP1-Related Fanconi Anemia. Identifiers: Orphanet 84, MedGen C1836860, MONDO:0012187, OMIM 609054.

Allele frequency attached by ClinVar (database versions not stated): gnomAD exomes below 0.00001; ExAC 0.00001.
gnomAD v4.1: 1 of 1,614,062 alleles (0.000062%); highest among the groups gnomAD compares: Non-Finnish European, 0.000085%; no homozygotes.

Submissions (2):

Color Diagnostics, LLC DBA Color Health
Classification: Uncertain significance for Hereditary cancer-predisposing syndrome. Last evaluated: 2025-07-25. Review status: criteria provided, single submitter. Criteria: ACMG Guidelines, 2015. Collection method: clinical testing. Allele origin: germline.
Comment: This missense variant replaces lysine with glutamic acid at codon 333 of the BRIP1 protein. Computational prediction suggests that this variant may not impact protein structure and function. To our knowledge, functional studies have not been reported for this variant. This variant has not been reported in individuals affected with BRIP1-related disorders in the literature. This variant has been identified in 1/251292 chromosomes in the general population by the Genome Aggregation Database (gnomAD). The available evidence is insufficient to determine the role of this variant in disease conclusively. Therefore, this variant is classified as a Variant of Uncertain Significance.

Labcorp Genetics (formerly Invitae), Labcorp
Classification: Uncertain significance for Familial cancer of breast; Fanconi anemia complementation group J. Last evaluated: 2025-06-22. Review status: criteria provided, single submitter. Criteria: Invitae Variant Classification Sherloc (09022015). Collection method: clinical testing. Allele origin: germline.
Comment: This sequence change replaces lysine, which is basic and polar, with glutamic acid, which is acidic and polar, at codon 333 of the BRIP1 protein (p.Lys333Glu). This variant is present in population databases (rs757196702, gnomAD 0.0009%). This variant has not been reported in the literature in individuals affected with BRIP1-related conditions. ClinVar contains an entry for this variant (Variation ID: 1472060). Invitae Evidence Modeling of protein sequence and biophysical properties (such as structural, functional, and spatial information, amino acid conservation, physicochemical variation, residue mobility, and thermodynamic stability) indicates that this missense variant is not expected to disrupt BRIP1 protein function with a negative predictive value of 95%. In summary, the available evidence is currently insufficient to determine the role of this variant in disease. Therefore, it has been classified as a Variant of Uncertain Significance.